The following is an entry in ClinVar:

NM_002471.4(MYH6):c.3733-3A>G

Gene: MYH6 (myosin heavy chain 6; minus strand). Cytogenetic location: 14q11.2.
Variant type: single nucleotide variant.
Coding change: c.3733-3A>G on transcript NM_002471.4 (MANE Select); 3 bases into the intron before coding-DNA position 3733, A replaced by G.
Molecular consequence: intron variant.
Genome position (GRCh38, 1-based): chr14:23,389,722, T>C on the plus strand (A>G on the coding strand, the complement: MYH6 is on the minus strand). VCF-style: chr14-23389722-T-C. GRCh37 (hg19) VCF-style: chr14-23858931-T-C.
Identifiers: ClinVar variation 2587175 (VCV002587175.2), dbSNP rs2502157491, ClinGen allele CA2582341738.

ClinVar aggregate classification (germline): Uncertain significance (1 of 4 stars; one submission).

Conditions:
Cardiovascular phenotype. Identifiers: MedGen CN230736.

Submission:

Ambry Genetics
Classification: Uncertain significance for Cardiovascular phenotype. Last evaluated: 2023-07-26. Review status: criteria provided, single submitter. Criteria: Ambry Variant Classification Scheme 2023. Collection method: clinical testing. Allele origin: germline.
Comment: The c.3733-3A>G intronic variant results from an A to G substitution 3 nucleotides upstream from coding exon 25 in the MYH6 gene. This nucleotide position is well conserved in available vertebrate species. In silico splice site analysis predicts that this alteration will result in the creation or strengthening of a novel splice acceptor site. Since supporting evidence is limited at this time, the clinical significance of this alteration remains unclear.